The following is an entry in ClinVar:

ClinVar aggregate classification (germline): Conflicting classifications of pathogenicity. Review status: criteria provided, conflicting classifications (1 of 4 stars). 3 submissions from 3 submitters: Pathogenic (1); Uncertain significance (2). Last evaluated 2025-09-23.

Conditions:
Long QT syndrome (LQTS). Identifiers: MedGen C0023976, MeSH D008133, MONDO:0002442. Disease mechanism: loss of function. Inheritance: Various modes of inheritance.
Cardiovascular phenotype. Identifiers: MedGen CN230736.

Submissions (3):

Ambry Genetics
Classification: Uncertain significance for Cardiovascular phenotype. Last evaluated: 2025-09-23. Review status: criteria provided, single submitter. Criteria: Ambry Variant Classification Scheme 2023. Collection method: clinical testing. Allele origin: germline.
Comment: The p.Q367H variant (also known as c.1101G>C), located in coding exon 8 of the KCNQ1 gene, results from a G to C substitution at nucleotide position 1101. The glutamine at codon 367 is replaced by histidine, an amino acid with highly similar properties. This variant was reported in individual(s) with features consistent with long QT syndrome (Walsh R et al. Genet Med, 2021 Jan;23:47-58). This amino acid position is highly conserved in available vertebrate species. In addition, this alteration is predicted to be deleterious by in silico analysis. Based on the available evidence, the clinical significance of this variant remains unclear.

Labcorp Genetics (formerly Invitae), Labcorp
Classification: Pathogenic for Long QT syndrome. Last evaluated: 2025-05-23. Review status: criteria provided, single submitter. Criteria: Invitae Variant Classification Sherloc (09022015). Collection method: clinical testing. Allele origin: germline.
Comment: This sequence change replaces glutamine, which is neutral and polar, with histidine, which is basic and polar, at codon 367 of the KCNQ1 protein (p.Gln367His). This variant is not present in population databases (gnomAD no frequency). This missense change has been observed in individuals with long QT syndrome (PMID: 17438609). ClinVar contains an entry for this variant (Variation ID: 1203515). Invitae Evidence Modeling of protein sequence and biophysical properties (such as structural, functional, and spatial information, amino acid conservation, physicochemical variation, residue mobility, and thermodynamic stability) indicates that this missense variant is expected to disrupt KCNQ1 protein function with a positive predictive value of 95%. This variant disrupts the p.Gln367 amino acid residue in KCNQ1. Other variant(s) that disrupt this residue have been determined to be pathogenic (internal data). This suggests that this residue is clinically significant, and that variants that disrupt this residue are likely to be disease-causing. For these reasons, this variant has been classified as Pathogenic.

GeneDx
Classification: Uncertain significance. Last evaluated: 2021-04-27. Review status: criteria provided, single submitter. Criteria: GeneDx Variant Classification Process June 2021. Collection method: clinical testing. Allele origin: germline. Affected: yes.
Comment: Has not been previously published as pathogenic or benign to our knowledge; Not observed in large population cohorts (Lek et al., 2016); In silico analysis supports that this missense variant has a deleterious effect on protein structure/function; This variant is associated with the following publications: (PMID: 23158531)

Literature cited by the submitters: PubMed 32893267 (cited by Ambry Genetics); PubMed 17438609 (cited by Labcorp Genetics (formerly Invitae), Labcorp).

NM_000218.3(KCNQ1):c.1101G>C (p.Gln367His)

Gene: KCNQ1 (potassium voltage-gated channel subfamily Q member 1; plus strand). Cytogenetic location: 11p15.5.
Variant type: single nucleotide variant.
Coding change: c.1101G>C on transcript NM_000218.3 (MANE Select); coding-DNA position 1101, G replaced by C.
Protein change: p.Gln367His; replaces glutamine 367 with histidine.
Molecular consequence: missense variant.
Genome position (GRCh38, 1-based): chr11:2,585,280, G>C. VCF-style: chr11-2585280-G-C. GRCh37 (hg19) VCF-style: chr11-2606510-G-C.
Other names: c.831G>C, p.Gln277His (NM_001406837.1); c.720G>C, p.Gln240His (NM_181798.2); short protein forms Q240H, Q367H, Q277H.
Identifiers: ClinVar variation 1203515 (VCV001203515.8), dbSNP rs199473663, ClinGen allele CA379133878.